The following is an entry in ClinVar:

ClinVar aggregate classification (germline): Benign (0 of 4 stars; one submission).

Conditions:
TEX15-related disorder. Also called: TEX15-related condition.

Allele frequency attached by ClinVar (database versions not stated): 1000 Genomes Project 30x 0.03763; 1000 Genomes Project 0.03794; TOPMed 0.05909; gnomAD 0.06698; ESP Exome Variant Server 0.06844; ExAC 0.07367.
gnomAD v4.1: 139,739 of 1,612,972 alleles (8.7%); highest among the groups gnomAD compares: Middle Eastern, 12%; 6,747 homozygotes.

Submission:

PreventionGenetics, part of Exact Sciences
Classification: Benign for TEX15-related condition. Last evaluated: 2019-10-18. Review status: no assertion criteria provided. Collection method: clinical testing. Allele origin: germline.
Comment: This variant is classified as benign based on ACMG/AMP sequence variant interpretation guidelines (Richards et al. 2015 PMID: 25741868, with internal and published modifications).

NM_001350162.2(TEX15):c.5688T>G (p.Asp1896Glu)

Gene: TEX15 (testis expressed 15, meiosis and synapsis associated; minus strand). Cytogenetic location: 8p12.
Variant type: single nucleotide variant.
Coding change: c.5688T>G on transcript NM_001350162.2 (MANE Select); coding-DNA position 5688, T replaced by G.
Protein change: p.Asp1896Glu; replaces aspartic acid 1896 with glutamic acid.
Molecular consequence: missense variant.
Genome position (GRCh38, 1-based): chr8:30,844,479, A>C on the plus strand (T>G on the coding strand, the complement: TEX15 is on the minus strand). VCF-style: chr8-30844479-A-C. GRCh37 (hg19) VCF-style: chr8-30701995-A-C.
Other names: c.4539T>G, p.Asp1513Glu (NM_031271.3); short protein forms D1513E, D1896E.
Identifiers: ClinVar variation 3056196 (VCV003056196.2), dbSNP rs61732457, ClinGen allele CA4702808.